The following is an entry in ClinVar:

NM_004655.4(AXIN2):c.1486_1487delinsTT (p.Ala496Phe)

Gene: AXIN2 (axin 2; minus strand). Cytogenetic location: 17q24.1.
Variant type: Indel.
Coding change: c.1486_1487delinsTT on transcript NM_004655.4 (MANE Select); coding-DNA positions 1486 to 1487, GC replaced by TT.
Protein change: p.Ala496Phe; replaces alanine 496 with phenylalanine.
Molecular consequence: missense variant.
Genome position (GRCh38, 1-based): chr17:65,537,549-65,537,550, GC replaced by AA on the plus strand (GC replaced by TT on the coding strand, the reverse complement: AXIN2 is on the minus strand). VCF-style: chr17-65537549-GC-AA. GRCh37 (hg19) VCF-style: chr17-63533667-GC-AA.
Other names: c.1486_1487delinsTT, p.Ala496Phe (NM_001363813.1); short protein forms A496F.
Identifiers: ClinVar variation 4826944 (VCV004826944.1).

ClinVar aggregate classification (germline): Uncertain significance (1 of 4 stars; one submission).

Conditions:
Hereditary cancer-predisposing syndrome. Also called: Neoplastic Syndromes, Hereditary; Tumor predisposition; Hereditary Cancer Syndrome; Hereditary neoplastic syndrome. Identifiers: Orphanet 140162, MedGen C0027672, MeSH D009386, MONDO:0015356.

Submission:

Ambry Genetics
Classification: Uncertain significance for Hereditary cancer-predisposing syndrome. Last evaluated: 2026-03-09. Review status: criteria provided, single submitter. Criteria: Ambry Variant Classification Scheme 2023. Collection method: clinical testing. Allele origin: germline.
Comment: The c.1486_1487delGCinsTT variant (also known as p.A496F), located in coding exon 5 of the AXIN2 gene, results from an in-frame deletion of GC and insertion of TT at nucleotide positions 1486 to 1487. This results in the substitution of the alanine residue for a phenylalanine residue at codon 496, an amino acid with dissimilar properties. This amino acid position is poorly conserved in available vertebrate species. Based on the available evidence, the clinical significance of this variant remains unclear.